The following is an entry in ClinVar:

ClinVar aggregate classification (germline): Uncertain significance (1 of 4 stars; one submission).

Allele frequency attached by ClinVar (database versions not stated): gnomAD 0.00001 and 0.00002; gnomAD exomes 0.00001 and 0.00003; ExAC 0.00002; TOPMed 0.00003; ESP Exome Variant Server 0.00008; 1000 Genomes Project 30x 0.00016; 1000 Genomes Project 0.00020.

Submission:

Labcorp Genetics (formerly Invitae), Labcorp
Classification: Uncertain significance. Last evaluated: 2024-10-23. Review status: criteria provided, single submitter. Criteria: Invitae Variant Classification Sherloc (09022015). Collection method: clinical testing. Allele origin: germline.
Comment: This sequence change replaces methionine, which is neutral and non-polar, with valine, which is neutral and non-polar, at codon 283 of the COQ9 protein (p.Met283Val). This variant is present in population databases (rs3211253, gnomAD 0.007%). This variant has not been reported in the literature in individuals affected with COQ9-related conditions. ClinVar contains an entry for this variant (Variation ID: 1474553). An algorithm developed to predict the effect of missense changes on protein structure and function outputs the following: PolyPhen-2: "Benign". The valine amino acid residue is found in multiple mammalian species, which suggests that this missense change does not adversely affect protein function. In summary, the available evidence is currently insufficient to determine the role of this variant in disease. Therefore, it has been classified as a Variant of Uncertain Significance.

NM_020312.4(COQ9):c.847A>G (p.Met283Val)

Gene: COQ9 (coenzyme Q9; plus strand). Cytogenetic location: 16q21.
Variant type: single nucleotide variant.
Coding change: c.847A>G on transcript NM_020312.4 (MANE Select); coding-DNA position 847, A replaced by G.
Protein change: p.Met283Val; replaces methionine 283 with valine.
Molecular consequence: missense variant.
Genome position (GRCh38, 1-based): chr16:57,459,700, A>G. VCF-style: chr16-57459700-A-G. GRCh37 (hg19) VCF-style: chr16-57493612-A-G.
Other names: short protein forms M283V.
Identifiers: ClinVar variation 1474553 (VCV001474553.7), dbSNP rs3211253, ClinGen allele CA8076357.